The following is an entry in ClinVar:

ClinVar aggregate classification (germline): Uncertain significance (1 of 4 stars; one submission).

gnomAD v4.1: 21 of 1,603,792 alleles (0.0013%); highest among the groups gnomAD compares: Non-Finnish European, 0.0018%; no homozygotes.

Submission:

Labcorp Genetics (formerly Invitae), Labcorp
Classification: Uncertain significance. Last evaluated: 2025-08-06. Review status: criteria provided, single submitter. Criteria: Invitae Variant Classification Sherloc (09022015). Collection method: clinical testing. Allele origin: germline.
Comment: This sequence change replaces arginine, which is basic and polar, with glutamine, which is neutral and polar, at codon 32 of the IHH protein (p.Arg32Gln). This variant is not present in population databases (gnomAD no frequency). This variant has not been reported in the literature in individuals affected with IHH-related conditions. Invitae Evidence Modeling of protein sequence and biophysical properties (such as structural, functional, and spatial information, amino acid conservation, physicochemical variation, residue mobility, and thermodynamic stability) indicates that this missense variant is expected to disrupt IHH protein function with a positive predictive value of 80%. In summary, the available evidence is currently insufficient to determine the role of this variant in disease. Therefore, it has been classified as a Variant of Uncertain Significance.

NM_002181.4(IHH):c.95G>A (p.Arg32Gln)

Gene: IHH (Indian hedgehog signaling molecule; minus strand). Cytogenetic location: 2q35.
Variant type: single nucleotide variant.
Coding change: c.95G>A on transcript NM_002181.4 (MANE Select); coding-DNA position 95, G replaced by A.
Protein change: p.Arg32Gln; replaces arginine 32 with glutamine.
Molecular consequence: missense variant.
Genome position (GRCh38, 1-based): chr2:219,060,373, C>T on the plus strand (G>A on the coding strand, the complement: IHH is on the minus strand). VCF-style: chr2-219060373-C-T. GRCh37 (hg19) VCF-style: chr2-219925095-C-T.
Other names: short protein forms R32Q.
Identifiers: ClinVar variation 4699005 (VCV004699005.1).